The following is an entry in ClinVar:

NM_001375380.1(EBF3):c.499A>C (p.Lys167Gln)

Gene: EBF3 (EBF transcription factor 3; minus strand). Cytogenetic location: 10q26.3.
Variant type: single nucleotide variant.
Coding change: c.499A>C on transcript NM_001375380.1 (MANE Select); coding-DNA position 499, A replaced by C.
Protein change: p.Lys167Gln; replaces lysine 167 with glutamine.
Molecular consequence: missense variant.
Genome position (GRCh38, 1-based): chr10:129,957,313, T>G on the plus strand (A>C on the coding strand, the complement: EBF3 is on the minus strand). VCF-style: chr10-129957313-T-G. GRCh37 (hg19) VCF-style: chr10-131755577-T-G.
Other names: c.499A>C, p.Lys167Gln (NM_001005463.3, NM_001375379.1, NM_001375389.1 and 3 more transcripts); short protein forms K167Q.
Identifiers: ClinVar variation 5002576 (VCV005002576.1).

ClinVar aggregate classification (germline): Uncertain significance (1 of 4 stars; one submission).

Conditions:
EBF3-related disorder. Identifiers: MedGen CN239924.

Submission:

PreventionGenetics, part of Exact Sciences
Classification: Uncertain significance for EBF3-related condition. Last evaluated: 2025-05-23. Review status: criteria provided, single submitter. Criteria: ACMG Guidelines, 2015. Collection method: clinical testing. Allele origin: germline.
Comment: The EBF3 c.499A>C variant is predicted to result in the amino acid substitution p.Lys167Gln. To our knowledge, this variant has not been reported in the literature or in a large population database (gnomAD), indicating this variant is rare. At this time, the clinical significance of this variant is uncertain due to the absence of conclusive functional and genetic evidence.